The following is an entry in ClinVar:

ClinVar aggregate classification (germline): Benign/Likely benign. Review status: criteria provided, multiple submitters, no conflicts (2 of 4 stars). 8 submissions from 8 submitters: Benign (1); Likely benign (7). Last evaluated 2026-01-26.

Conditions:
RET-related disorder. Also called: RET-related disorders; RET-related condition; RET-related disease.
Hereditary cancer-predisposing syndrome. Also called: Hereditary Cancer Syndrome; Tumor predisposition; Hereditary neoplastic syndrome; Neoplastic Syndromes, Hereditary. Identifiers: Orphanet 140162, MedGen C0027672, MeSH D009386, MONDO:0015356.
Multiple endocrine neoplasia, type 2 (MEN2). Identifiers: Orphanet 653, MedGen C4048306, MONDO:0019003. Disease mechanism: gain of function.
Pheochromocytoma. Also called: MAX-Related Hereditary Paraganglioma-Pheochromocytoma Syndrome. Identifiers: Orphanet 29072, MedGen C0031511, MONDO:0008233, OMIM 171300, HP:0002666.

Allele frequency attached by ClinVar (database versions not stated): gnomAD exomes 0.00001 and 0.00002; ExAC 0.00002; gnomAD 0.00003; TOPMed 0.00006; ESP Exome Variant Server 0.00015.
gnomAD v4.1: 27 of 1,614,004 alleles (0.0017%); highest among the groups gnomAD compares: African/African-American, 0.017%; no homozygotes.

Submissions (8):

Labcorp Genetics (formerly Invitae), Labcorp
Classification: Likely benign for Multiple endocrine neoplasia, type 2. Last evaluated: 2026-01-26. Review status: criteria provided, single submitter. Criteria: Invitae Variant Classification Sherloc (09022015). Collection method: clinical testing. Allele origin: germline.

PreventionGenetics, part of Exact Sciences
Classification: Likely benign for RET-related condition. Last evaluated: 2025-06-23. Review status: criteria provided, single submitter. Criteria: ACMG Guidelines, 2015. Collection method: clinical testing. Allele origin: germline.
Comment: This variant is classified as likely benign based on ACMG/AMP sequence variant interpretation guidelines (Richards et al. 2015 PMID: 25741868, with internal and published modifications).

Center for Genomic Medicine, Rigshospitalet, Copenhagen University Hospital
Classification: Likely benign. Last evaluated: 2025-03-04. Review status: criteria provided, single submitter. Criteria: ACMG Guidelines, 2015. Collection method: clinical testing. Allele origin: germline.

KCCC/NGS Laboratory, Kuwait Cancer Control Center
Classification: Benign for Pheochromocytoma. Last evaluated: 2025-02-01. Review status: criteria provided, single submitter. Criteria: ACMG Guidelines, 2015. Collection method: clinical testing. Allele origin: germline. Affected: no.

Blueprint Genetics
Classification: Likely benign. Last evaluated: 2024-10-03. Review status: criteria provided, single submitter. Criteria: ACMG Guidelines, 2015. Collection method: clinical testing. Allele origin: germline.

All of Us Research Program, National Institutes of Health
Classification: Likely benign for Multiple endocrine neoplasia, type 2. Last evaluated: 2023-12-13. Review status: criteria provided, single submitter. Criteria: ACMG Guidelines, 2015. Collection method: clinical testing. Allele origin: germline. Inheritance: Autosomal dominant inheritance. Observed: 11 variant alleles, 11 heterozygotes.
Comment: This study involves interpretation of variants in research participants for the purpose of population health screening. Participant phenotype was not available at the time of variant classification. Additional details can be found in publication PMID: 35346344, PMCID: PMC8962531

Color Diagnostics, LLC DBA Color Health
Classification: Likely benign for Multiple endocrine neoplasia, type 2. Last evaluated: 2022-09-29. Review status: criteria provided, single submitter. Criteria: ACMG Guidelines, 2015. Collection method: clinical testing. Allele origin: germline.

Ambry Genetics
Classification: Likely benign for Hereditary cancer-predisposing syndrome. Last evaluated: 2020-06-30. Review status: criteria provided, single submitter. Criteria: Ambry Variant Classification Scheme 2023. Collection method: clinical testing. Allele origin: germline.

NM_020975.6(RET):c.3090C>T (p.Asp1030=)

Gene: RET (ret proto-oncogene; plus strand). Cytogenetic location: 10q11.21.
Variant type: single nucleotide variant.
Coding change: c.3090C>T on transcript NM_020975.6 (MANE Select); coding-DNA position 3090, C replaced by T.
Protein change: p.Asp1030=; no amino-acid change (aspartic acid 1030 retained).
Molecular consequence: synonymous variant.
Genome position (GRCh38, 1-based): chr10:43,126,625, C>T. VCF-style: chr10-43126625-C-T. GRCh37 (hg19) VCF-style: chr10-43622073-C-T.
Other names: c.3090C>T, p.Asp1030= (NM_000323.2, NM_001406743.1, NM_001406744.1 and 4 more transcripts); c.2328C>T, p.Asp776= (NM_001355216.2); c.2961C>T, p.Asp987= (NM_001406761.1, NM_001406762.1, NM_001406764.1); c.2955C>T, p.Asp985= (NM_001406763.1, NM_001406765.1); c.2802C>T, p.Asp934= (NM_001406766.1, NM_001406767.1, NM_001406770.1); c.2826C>T, p.Asp942= (NM_001406768.1); c.2694C>T, p.Asp898= (NM_001406769.1, NM_001406772.1); c.2652C>T, p.Asp884= (NM_001406771.1, NM_001406773.1); and 10 more.
Identifiers: ClinVar variation 413465 (VCV000413465.22), dbSNP rs142859395, ClinGen allele CA042530.